The following is an entry in ClinVar:

NM_000284.4(PDHA1):c.615C>A (p.Phe205Leu)

Gene: PDHA1 (pyruvate dehydrogenase E1 subunit alpha 1; plus strand). Cytogenetic location: Xp22.12.
Variant type: single nucleotide variant.
Coding change: c.615C>A on transcript NM_000284.4 (MANE Select); coding-DNA position 615, C replaced by A.
Protein change: p.Phe205Leu; replaces phenylalanine 205 with leucine.
Molecular consequence: missense variant.
Genome position (GRCh38, 1-based): chrX:19,355,360, C>A. VCF-style: chrX-19355360-C-A. GRCh37 (hg19) VCF-style: chrX-19373478-C-A.
Other names: c.729C>A, p.Phe243Leu (NM_001173454.2); c.636C>A, p.Phe212Leu (NM_001173455.2); c.522C>A, p.Phe174Leu (NM_001173456.2); short protein forms F174L, F205L, F212L, F243L.
Identifiers: ClinVar variation 4070490 (VCV004070490.1).
Genomic context (GRCh38, chrX:19,355,360, plus strand): 5'-AGCCTGGAGAAAGAAGCCAAATGAAACCCCTTTTCGTAACTACTTCCAGGGCCAGATATT[C>A]GAAGCTTACAACATGGCAGCTTTGTGGAAATTACCTTGTATTTTCATCTGTGAGAATAAT-3'
Protein context (NP_000275.1, residues 195-215): GDGAANQGQI[Phe205Leu]EAYNMAALWK

ClinVar aggregate classification (germline): Pathogenic (0 of 4 stars; one submission).

Conditions:
Pyruvate dehydrogenase E1-alpha deficiency (PDHAD). Also called: ATAXIA, INTERMITTENT, WITH PYRUVATE DEHYDROGENASE DEFICIENCY; ATAXIA WITH LACTIC ACIDOSIS I; ATAXIA, INTERMITTENT, WITH ABNORMAL PYRUVATE METABOLISM; Ataxia, intermittent, with pyruvate dehydrogenase, or decarboxylase, deficiency. Identifiers: Orphanet 79243, MedGen C1839413, MONDO:0010717, OMIM 312170.

Submission:

PDHA1 Study Group, University Children’s Hospital, Paracelsus Medical University
Classification: Pathogenic for Pyruvate dehydrogenase E1-alpha deficiency. Last evaluated: 2024-10-15. Review status: no assertion criteria provided. Collection method: research. Allele origin: de novo. Affected: yes. Observed: 3 variant alleles.
Comment: The NM_000284.3:c.615C>A (p.Phe205Leu) substitution is a missense variant in PDHA1 gene. In total, 3 individuals were diagnosed with PDHA1-related Pyruvate dehydrogenase complex (PDHc) deficiency (MIM #312170). These include 3 males. Among them, 1 case had confirmed de novo occurrence. The variant has been reported in 2 published cases (PMIDs: 8199595, 7887409). Last literature search: July 12, 2024. This variant is absent or extremely rare in population-based cohorts in the Genome Aggregation Database (gnomAD). Individuals harboring this variant presented with clinical features compatible with PDHA1-related PDHc deficiency. In summary, this variant meets criteria to be classified as pathogenic (P) for PDHA1-related PDHc deficiency based on the ACMG/AMP criteria applied: PS1, PS3, PM1, PM2, PM7, PP3 (last assessment October 15, 2024).

Literature cited by the submitters: PubMed 8199595; PubMed 7887409; DOI 10.1093/brain/awaf430.